The following is an entry in ClinVar:

ClinVar aggregate classification (germline): not provided (0 of 4 stars; one submission).

Allele frequency attached by ClinVar (database versions not stated): ExAC 0.00001; gnomAD 0.00001 and 0.00002; gnomAD exomes 0.00001; 1000 Genomes Project 30x 0.00016; 1000 Genomes Project 0.00020.
gnomAD v4.1: 14 of 1,614,114 alleles (0.00087%); highest among the groups gnomAD compares: African/African-American, 0.0053%; no homozygotes.

Submission:

Human Evolutionary Genetics, Institut Pasteur
No classification provided. Review status: no classification provided. Collection method: not provided. Allele origin: germline.
ClinVar note: Converted during submission from untested to not provided.

NM_017852.5(NLRP2):c.2496C>T (p.Tyr832=)

Gene: NLRP2 (NLR family pyrin domain containing 2; plus strand). Cytogenetic location: 19q13.42.
Variant type: single nucleotide variant.
Coding change: c.2496C>T on transcript NM_017852.5 (MANE Select); coding-DNA position 2496, C replaced by T.
Protein change: p.Tyr832=; no amino-acid change (tyrosine 832 retained).
Molecular consequence: synonymous variant. On other transcripts: non-coding transcript variant (1).
Genome position (GRCh38, 1-based): chr19:54,990,151, C>T. VCF-style: chr19-54990151-C-T. GRCh37 (hg19) VCF-style: chr19-55501519-C-T.
Other names: c.2496C>T, p.Tyr832= (NM_001174081.3); c.2430C>T, p.Tyr810= (NM_001174082.3); c.2427C>T, p.Tyr809= (NM_001174083.2); c.2487C>T, p.Tyr829= (NM_001348003.2).
Identifiers: ClinVar variation 103059 (VCV000103059.2), dbSNP rs199475724, ClinGen allele CA230047.